The following is an entry in ClinVar:

NM_001374353.1(GLI2):c.192dup (p.Asp65Ter)

Gene: GLI2 (GLI family zinc finger 2; plus strand). Cytogenetic location: 2q14.2.
Variant type: Duplication.
Coding change: c.192dup on transcript NM_001374353.1 (MANE Select); coding-DNA position 192, one base duplicated (T; older notation c.192dupT).
Protein change: p.Asp65Ter; replaces aspartic acid 65 with a stop codon.
Molecular consequence: nonsense. On other transcripts: intron variant (1).
Genome position (GRCh38, 1-based): chr2:120,927,404, T duplicated; the last of 2 consecutive T bases (chr2:120,927,403-120,927,404); duplicating either gives the same sequence. VCF-style (leftmost placement, unchanged base first): chr2-120927402-A-AT. GRCh37 (hg19) VCF-style: chr2-121684978-A-AT.
Other names: c.192dupT (NM_005270.4); c.192dup, p.Asp65Ter (NM_001371271.1, NM_005270.5); c.-121-23839dup (NM_001374354.1); short protein forms D65*.
Identifiers: ClinVar variation 573009 (VCV000573009.8), dbSNP rs1388607733, ClinGen allele CA756048495.

ClinVar aggregate classification (germline): Pathogenic. Review status: criteria provided, multiple submitters, no conflicts (2 of 4 stars). 2 submissions from 2 submitters: Pathogenic (2). Last evaluated 2025-10-17.

Conditions:
Inborn genetic diseases. Identifiers: MedGen C0950123, MeSH D030342.
Postaxial polydactyly-anterior pituitary anomalies-facial dysmorphism syndrome. Also called: Culler-Jones syndrome. Identifiers: Orphanet 420584, MedGen C4014479, MONDO:0014369, OMIM 615849.
Holoprosencephaly 9 (HPE9). Also called: HOLOPROSENCEPHALY WITH MICROPHTHALMIA AND FIRST BRANCHIAL ARCH ANOMALIES; PITUITARY ANOMALIES WITH HOLOPROSENCEPHALY-LIKE FEATURES. Identifiers: Orphanet 2162, MedGen C1835819, MONDO:0012563, OMIM 610829.

Submissions (2):

Ambry Genetics
Classification: Pathogenic for Inborn genetic diseases. Last evaluated: 2025-10-17. Review status: criteria provided, single submitter. Criteria: Ambry Variant Classification Scheme 2023. Collection method: clinical testing. Allele origin: germline.
Comment: The c.192dupT (p.D65*) alteration, located in exon 2 (coding exon 2) of the GLI2 gene, consists of a duplication of T at position 192, causing a translational frameshift with a predicted alternate stop codon after amino acids. This alteration is expected to result in loss of function by premature protein truncation or nonsense-mediated mRNA decay. This variant was not reported in population-based cohorts in the Genome Aggregation Database (gnomAD). Based on the available evidence, this alteration is classified as pathogenic.

Labcorp Genetics (formerly Invitae), Labcorp
Classification: Pathogenic for Postaxial polydactyly-anterior pituitary anomalies-facial dysmorphism syndrome; Holoprosencephaly 9. Last evaluated: 2018-10-08. Review status: criteria provided, single submitter. Criteria: Invitae Variant Classification Sherloc (09022015). Collection method: clinical testing. Allele origin: germline.
Comment: This sequence change creates a premature translational stop signal (p.Asp65*) in the GLI2 gene. It is expected to result in an absent or disrupted protein product. This variant is not present in population databases (ExAC no frequency). This variant has not been reported in the literature in individuals with GLI2-related disease. Loss-of-function variants in GLI2 are known to be pathogenic (PMID: 14581620, 20685856). For these reasons, this variant has been classified as Pathogenic.

Literature cited by the submitters: PubMed 14581620 (cited by Labcorp Genetics (formerly Invitae), Labcorp); PubMed 20685856 (cited by Labcorp Genetics (formerly Invitae), Labcorp).